The following is an entry in ClinVar:

NM_020461.4(TUBGCP6):c.2317C>T (p.Arg773Cys)

Gene: TUBGCP6 (tubulin gamma complex component 6; minus strand). Cytogenetic location: 22q13.33.
Variant type: single nucleotide variant.
Coding change: c.2317C>T on transcript NM_020461.4 (MANE Select); coding-DNA position 2317, C replaced by T.
Protein change: p.Arg773Cys; replaces arginine 773 with cysteine.
Molecular consequence: missense variant.
Genome position (GRCh38, 1-based): chr22:50,222,546, G>A on the plus strand (C>T on the coding strand, the complement: TUBGCP6 is on the minus strand). VCF-style: chr22-50222546-G-A. GRCh37 (hg19) VCF-style: chr22-50660975-G-A.
Other names: short protein forms R773C.
Identifiers: ClinVar variation 968787 (VCV000968787.8), dbSNP rs200534217, ClinGen allele CA10308266.
Genomic context (GRCh38, chr22:50,222,546, plus strand): 5'-GAAGCCGTGCACTCTCCAGTCGGTGCCTCTGGATTCTCCACAGTGCCTTCTGCTCCCGAC[G>A]AGCTGCCTCTGCAGAGAGCTTGCTGTAGTGGTCGACCAGTGCCTGCCTGAAGCCACACAC-3'
Protein context (NP_065194.3, residues 763-783): HYSKLSAEAA[Arg773Cys]REQKALWRIQ

ClinVar aggregate classification (germline): Uncertain significance. Review status: criteria provided, multiple submitters, no conflicts (2 of 4 stars). 4 submissions from 4 submitters: Uncertain significance (4). Last evaluated 2025-12-16.

Conditions:
Inborn genetic diseases. Identifiers: MedGen C0950123, MeSH D030342.
TUBGCP6-related disorder. Also called: TUBGCP6-related condition.

Allele frequency attached by ClinVar (database versions not stated): TOPMed 0.00001; ExAC 0.00002; gnomAD exomes 0.00002 and 0.00003; gnomAD 0.00004 and 0.00005.
gnomAD v4.1: 43 of 1,613,196 alleles (0.0027%); highest among the groups gnomAD compares: Middle Eastern, 0.033%; no homozygotes.

Submissions (4):

Ambry Genetics
Classification: Uncertain significance for Inborn genetic diseases. Last evaluated: 2025-12-16. Review status: criteria provided, single submitter. Criteria: Ambry Variant Classification Scheme 2023. Collection method: clinical testing. Allele origin: germline.

PreventionGenetics, part of Exact Sciences
Classification: Uncertain significance for TUBGCP6-related condition. Last evaluated: 2025-08-06. Review status: criteria provided, single submitter. Criteria: ACMG Guidelines, 2015. Collection method: clinical testing. Allele origin: germline.
Comment: The TUBGCP6 c.2317C>T variant is predicted to result in the amino acid substitution p.Arg773Cys. To our knowledge, this variant has not been reported in the literature. This variant is reported in 0.0054% of alleles in individuals of European (Non-Finnish) descent in gnomAD. At this time, the clinical significance of this variant is uncertain due to the absence of conclusive functional and genetic evidence.

Blueprint Genetics
Classification: Uncertain significance. Last evaluated: 2023-10-09. Review status: criteria provided, single submitter. Criteria: ACMG Guidelines, 2015. Collection method: clinical testing. Allele origin: germline.

Labcorp Genetics (formerly Invitae), Labcorp
Classification: Uncertain significance. Last evaluated: 2022-10-13. Review status: criteria provided, single submitter. Criteria: Invitae Variant Classification Sherloc (09022015). Collection method: clinical testing. Allele origin: germline.
Comment: This variant has not been reported in the literature in individuals affected with TUBGCP6-related conditions. This variant is present in population databases (rs200534217, gnomAD 0.005%). This sequence change replaces arginine, which is basic and polar, with cysteine, which is neutral and slightly polar, at codon 773 of the TUBGCP6 protein (p.Arg773Cys). ClinVar contains an entry for this variant (Variation ID: 968787). In summary, the available evidence is currently insufficient to determine the role of this variant in disease. Therefore, it has been classified as a Variant of Uncertain Significance. Algorithms developed to predict the effect of missense changes on protein structure and function output the following: SIFT: "Deleterious"; PolyPhen-2: "Benign"; Align-GVGD: "Class C0". The cysteine amino acid residue is found in multiple mammalian species, which suggests that this missense change does not adversely affect protein function.